The following is an entry in ClinVar:

ClinVar aggregate classification (germline): Likely benign. Review status: criteria provided, multiple submitters, no conflicts (2 of 4 stars). 3 submissions from 3 submitters: Likely benign (3). Last evaluated 2026-01-14.

Conditions:
DYNC1H1-related disorder. Also called: DYNC1H1-related condition; DYNC1H1-related disorders. Identifiers: MedGen CN381529.
Charcot-Marie-Tooth disease axonal type 2O. Also called: Charcot-Marie-Tooth disease, axonal, type 20; Charcot-Marie-Tooth Neuropathy Type 2O; CHARCOT-MARIE-TOOTH NEUROPATHY, AXONAL, TYPE 2O; CHARCOT-MARIE-TOOTH DISEASE, AXONAL, AUTOSOMAL DOMINANT, TYPE 2O. Identifiers: Orphanet 284232, MedGen C3280220, MONDO:0013644, OMIM 614228.

Allele frequency attached by ClinVar (database versions not stated): gnomAD 0.00003; TOPMed 0.00003; ESP Exome Variant Server 0.00008.
gnomAD v4.1: 21 of 1,614,072 alleles (0.0013%); highest among the groups gnomAD compares: African/African-American, 0.0093%; no homozygotes.

Submissions (3):

PreventionGenetics, part of Exact Sciences
Classification: Likely benign for DYNC1H1-related condition. Last evaluated: 2026-01-14. Review status: criteria provided, single submitter. Criteria: ACMG Guidelines, 2015. Collection method: clinical testing. Allele origin: germline.
Comment: This variant is classified as likely benign based on ACMG/AMP sequence variant interpretation guidelines (Richards et al. 2015 PMID: 25741868, with internal and published modifications).

Labcorp Genetics (formerly Invitae), Labcorp
Classification: Likely benign for Charcot-Marie-Tooth disease axonal type 2O. Last evaluated: 2025-02-20. Review status: criteria provided, single submitter. Criteria: Invitae Variant Classification Sherloc (09022015). Collection method: clinical testing. Allele origin: germline.

GeneDx
Classification: Likely benign. Last evaluated: 2016-07-20. Review status: criteria provided, single submitter. Criteria: GeneDx Variant Classification (06012015). Collection method: clinical testing. Allele origin: germline. Affected: yes.
Comment: This variant is considered likely benign or benign based on one or more of the following criteria: it is a conservative change, it occurs at a poorly conserved position in the protein, it is predicted to be benign by multiple in silico algorithms, and/or has population frequency not consistent with disease.

NM_001376.5(DYNC1H1):c.11826C>T (p.Pro3942=)

Gene: DYNC1H1 (dynein cytoplasmic 1 heavy chain 1; plus strand). Cytogenetic location: 14q32.31.
Variant type: single nucleotide variant.
Coding change: c.11826C>T on transcript NM_001376.5 (MANE Select); coding-DNA position 11826, C replaced by T.
Protein change: p.Pro3942=; no amino-acid change (proline 3942 retained).
Molecular consequence: synonymous variant.
Genome position (GRCh38, 1-based): chr14:102,040,371, C>T. VCF-style: chr14-102040371-C-T. GRCh37 (hg19) VCF-style: chr14-102506708-C-T.
Identifiers: ClinVar variation 387807 (VCV000387807.6), dbSNP rs372407438, ClinGen allele CA7353736.